The following is an entry in ClinVar:

NM_000059.4(BRCA2):c.732_733del (p.Asp244fs)

Gene: BRCA2 (BRCA2 DNA repair associated; plus strand). Cytogenetic location: 13q13.1.
Variant type: Deletion.
Coding change: c.732_733del on transcript NM_000059.4 (MANE Select); coding-DNA positions 732 to 733, 2 bases deleted (TA; older notation c.732_733delTA).
Protein change: p.Asp244fs; shifts the reading frame from aspartic acid 244.
Molecular consequence: frameshift variant.
Genome position (GRCh38, 1-based): chr13:32,330,969-32,330,970, TA deleted; deleting any 2 consecutive bases within chr13:32,330,968-32,330,970 gives the same sequence; the c. name uses the placement nearest the transcript's 3' end. VCF-style (leftmost placement, unchanged base first): chr13-32330967-GAT-G. GRCh37 (hg19) VCF-style: chr13-32905104-GAT-G.
Other names: short protein forms D244fs.
Identifiers: ClinVar variation 915268 (VCV000915268.8), dbSNP rs1408096224, ClinGen allele CA697333560.

ClinVar aggregate classification (germline): Pathogenic/Likely pathogenic. Review status: criteria provided, multiple submitters, no conflicts (2 of 4 stars). 3 submissions from 3 submitters: Pathogenic (2); Likely pathogenic (1). Last evaluated 2022-11-10.

Conditions:
Hereditary breast ovarian cancer syndrome. Also called: Hereditary breast and ovarian cancer; Hereditary breast and ovarian cancer syndrome (HBOC); Hereditary breast and/or ovarian cancer syndrome; Breast and ovarian cancer; Hereditary breast and ovarian cancer syndrome; BRCA1- and BRCA2-Associated Hereditary Breast and Ovarian Cancer. Identifiers: Orphanet 145, MedGen C0677776, MeSH D061325, MONDO:0003582. Disease mechanism: loss of function.
BRCA2-related disorder. Also called: BRCA2-related condition; BRCA2-related disorders. Identifiers: MedGen CN239275.
Breast neoplasm. Also called: Neoplasm of the breast; Neoplasm of breast; Breast tumor; Breast Neoplasms. Identifiers: MedGen C1458155, MeSH D001943, MONDO:0021100, HP:0100013. Disease mechanism: gain of function.

Submissions (3):

Labcorp Genetics (formerly Invitae), Labcorp
Classification: Pathogenic for Hereditary breast ovarian cancer syndrome. Last evaluated: 2022-11-10. Review status: criteria provided, single submitter. Criteria: Invitae Variant Classification Sherloc (09022015). Collection method: clinical testing. Allele origin: germline.
Comment: For these reasons, this variant has been classified as Pathogenic. ClinVar contains an entry for this variant (Variation ID: 915268). This variant has not been reported in the literature in individuals affected with BRCA2-related conditions. This variant is not present in population databases (gnomAD no frequency). This sequence change creates a premature translational stop signal (p.Asp244Glufs*10) in the BRCA2 gene. It is expected to result in an absent or disrupted protein product. Loss-of-function variants in BRCA2 are known to be pathogenic (PMID: 20104584).

Blueprint Genetics
Classification: Likely pathogenic for BRCA2-related disorders. Last evaluated: 2022-06-15. Review status: criteria provided, single submitter. Criteria: ACMG Guidelines, 2015. Collection method: clinical testing. Allele origin: germline. Affected: yes. Observed: 1 variant allele.

ACT Genomics,
Classification: Pathogenic for Neoplasm of the breast. Last evaluated: 2020-02-17. Review status: criteria provided, single submitter. Criteria: ACMG Guidelines, 2015. Collection method: clinical testing. Allele origin: germline. Affected: yes. Observed: 1 heterozygote.
Comment: This frameshift deletion c.732_733delTA (Asp244GlufsTer10) in BRCA2 is predicted to result in the formation of a premature stop codon. This mutatiom is novel (not in any individuals) in gnomAD Exomes and 1000 Genomes. For these reasons, this variant has been classified as Pathogenic.

Literature cited by the submitters: PubMed 20104584 (cited by Labcorp Genetics (formerly Invitae), Labcorp).